The following is an entry in ClinVar:

ClinVar aggregate classification (germline): Uncertain significance (1 of 4 stars; one submission).

Submission:

Labcorp Genetics (formerly Invitae), Labcorp
Classification: Uncertain significance. Last evaluated: 2024-12-23. Review status: criteria provided, single submitter. Criteria: Invitae Variant Classification Sherloc (09022015). Collection method: clinical testing. Allele origin: germline.
Comment: This sequence change replaces glycine, which is neutral and non-polar, with serine, which is neutral and polar, at codon 313 of the CFH protein (p.Gly313Ser). This variant is not present in population databases (gnomAD no frequency). This variant has not been reported in the literature in individuals affected with CFH-related conditions. An algorithm developed to predict the effect of missense changes on protein structure and function (PolyPhen-2) suggests that this variant is likely to be disruptive. In summary, the available evidence is currently insufficient to determine the role of this variant in disease. Therefore, it has been classified as a Variant of Uncertain Significance.

NM_000186.4(CFH):c.937G>A (p.Gly313Ser)

Gene: CFH (complement factor H; plus strand). Cytogenetic location: 1q31.3.
Variant type: single nucleotide variant.
Coding change: c.937G>A on transcript NM_000186.4 (MANE Select); coding-DNA position 937, G replaced by A.
Protein change: p.Gly313Ser; replaces glycine 313 with serine.
Molecular consequence: missense variant.
Genome position (GRCh38, 1-based): chr1:196,685,210, G>A. VCF-style: chr1-196685210-G-A. GRCh37 (hg19) VCF-style: chr1-196654340-G-A.
Other names: c.937G>A, p.Gly313Ser (NM_001014975.3); short protein forms G313S.
Identifiers: ClinVar variation 3699355 (VCV003699355.2).